The following is an entry in ClinVar:

NM_001024630.4(RUNX2):c.739del (p.Ser247fs)

Gene: RUNX2 (RUNX family transcription factor 2; plus strand). Cytogenetic location: 6p21.1.
Variant type: Deletion.
Coding change: c.739del on transcript NM_001024630.4 (MANE Select); coding-DNA position 739, one base deleted (A; older notation c.739delA).
Protein change: p.Ser247fs; shifts the reading frame from serine 247.
Molecular consequence: frameshift variant.
Genome position (GRCh38, 1-based): chr6:45,491,994, A deleted. VCF-style (leftmost placement, unchanged base first): chr6-45491993-CA-C. GRCh37 (hg19) VCF-style: chr6-45459730-CA-C.
Other names: c.739del, p.Ser247fs (NM_001015051.4); c.697del, p.Ser233fs (NM_001278478.2, NM_001369405.1); short protein forms S233fs, S247fs.
Identifiers: ClinVar variation 1185699 (VCV001185699.2), dbSNP rs2150407600, ClinGen allele CA2573052699.

ClinVar aggregate classification (germline): Pathogenic (1 of 4 stars; one submission).

Conditions:
Cleidocranial dysostosis (CLCD1). Also called: cleidocranial dysplasia 1; Cleidocranial Dysplasia Spectrum Disorder; Marie-Sainton disease. Identifiers: Orphanet 1452, MedGen C0008928, MONDO:0007340, OMIM 119600.

Submission:

Center of Excellence in Precision Medicine and Digital Health (CEPMDH), Faculty of Dentistry, Chulalongkorn University
Classification: Pathogenic for Cleidocranial dysostosis. Review status: criteria provided, single submitter. Criteria: ACMG Guidelines, 2015. Collection method: clinical testing. Allele origin: germline. Inheritance: Autosomal dominant inheritance. Affected: yes. Observed: 1 variant allele, 1 heterozygote.
Comment: The variant is classified as pathogenic by ACMG guideline. Truncated variants in RUNX2 were previously reported to be associated with cleidocranial dysplasia (Gao X et al., 2019).